The following is an entry in ClinVar:

NM_000642.3(AGL):c.2998C>T (p.Arg1000Cys)

Gene: AGL (amylo-alpha-1,6-glucosidase and 4-alpha-glucanotransferase; plus strand). Cytogenetic location: 1p21.2.
Variant type: single nucleotide variant.
Coding change: c.2998C>T on transcript NM_000642.3 (MANE Select); coding-DNA position 2998, C replaced by T.
Protein change: p.Arg1000Cys; replaces arginine 1000 with cysteine.
Molecular consequence: missense variant.
Genome position (GRCh38, 1-based): chr1:99,891,654, C>T. VCF-style: chr1-99891654-C-T. GRCh37 (hg19) VCF-style: chr1-100357210-C-T.
Other names: c.2797C>T, p.Arg933Cys (NM_001425327.1); c.2794C>T, p.Arg932Cys (NM_001425328.1); c.2659C>T, p.Arg887Cys (NM_001425329.1); c.2620C>T, p.Arg874Cys (NM_001425332.1); c.2977C>T, p.Arg993Cys (NM_001425326.1); c.2998C>T, p.Arg1000Cys (NM_000028.3, NM_000643.3, NM_000644.3 and 1 more transcripts); c.2950C>T, p.Arg984Cys (NM_000646.3); short protein forms R1000C, R984C, R874C, R887C, R932C, R933C, R993C.
Identifiers: ClinVar variation 2063244 (VCV002063244.4), dbSNP rs1240742648, ClinGen allele CA341325921.

ClinVar aggregate classification (germline): Uncertain significance. Review status: criteria provided, multiple submitters, no conflicts (2 of 4 stars). 3 submissions from 3 submitters: Uncertain significance (3). Last evaluated 2026-07-08.

Conditions:
Glycogen storage disease type III (GSD3). Also called: FORBES DISEASE; Cori disease. Identifiers: Orphanet 366, MedGen C0017922, MONDO:0009291, OMIM 232400.
Inborn genetic diseases. Identifiers: MedGen C0950123, MeSH D030342.

Allele frequency attached by ClinVar (database versions not stated): gnomAD 0.00002; TOPMed 0.00001; gnomAD exomes 0.00002.
gnomAD v4.1: 31 of 1,613,396 alleles (0.0019%); highest among the groups gnomAD compares: Non-Finnish European, 0.0025%; no homozygotes.

Submissions (3):

Ambry Genetics
Classification: Uncertain significance for Inborn genetic diseases. Last evaluated: 2026-07-08. Review status: criteria provided, single submitter. Criteria: Ambry Variant Classification Scheme 2023. Collection method: clinical testing. Allele origin: germline.
Comment: The c.2998C>T (p.R1000C) alteration is located in exon 23 (coding exon 22) of the AGL gene. This alteration results from a C to T substitution at nucleotide position 2998, causing the arginine (R) at amino acid position 1000 to be replaced by a cysteine (C). Based on data from gnomAD, the T allele has an overall frequency of 0.001% (3/282712) total alleles studied. The highest observed frequency was 0.002% (3/129076) of European (non-Finnish) alleles. This amino acid position is highly conserved in available vertebrate species. This alteration is predicted to be deleterious by in silico analysis. Based on insufficient or conflicting evidence, the clinical significance of this alteration remains unclear.

Genome-Nilou Lab
Classification: Uncertain significance for Glycogen storage disease type III. Last evaluated: 2023-04-11. Review status: criteria provided, single submitter. Criteria: ACMG Guidelines, 2015. Collection method: clinical testing. Allele origin: germline. Affected: no.

Labcorp Genetics (formerly Invitae), Labcorp
Classification: Uncertain significance for Glycogen storage disease type III. Last evaluated: 2022-08-20. Review status: criteria provided, single submitter. Criteria: Invitae Variant Classification Sherloc (09022015). Collection method: clinical testing. Allele origin: germline.
Comment: This sequence change replaces arginine, which is basic and polar, with cysteine, which is neutral and slightly polar, at codon 1000 of the AGL protein (p.Arg1000Cys). This variant is present in population databases (no rsID available, gnomAD 0.002%). This variant has not been reported in the literature in individuals affected with AGL-related conditions. Algorithms developed to predict the effect of missense changes on protein structure and function are either unavailable or do not agree on the potential impact of this missense change (SIFT: "Deleterious"; PolyPhen-2: "Probably Damaging"; Align-GVGD: "Class C0"). In summary, the available evidence is currently insufficient to determine the role of this variant in disease. Therefore, it has been classified as a Variant of Uncertain Significance.